The following is an entry in ClinVar:

NM_002528.7(NTHL1):c.50C>T (p.Pro17Leu)

Gene: NTHL1 (nth like DNA glycosylase 1; minus strand). Cytogenetic location: 16p13.3.
Variant type: single nucleotide variant.
Coding change: c.50C>T on transcript NM_002528.7 (MANE Select); coding-DNA position 50, C replaced by T.
Protein change: p.Pro17Leu; replaces proline 17 with leucine.
Molecular consequence: missense variant. On other transcripts: 5 prime UTR variant (1).
Genome position (GRCh38, 1-based): chr16:2,047,774, G>A on the plus strand (C>T on the coding strand, the complement: NTHL1 is on the minus strand). VCF-style: chr16-2047774-G-A. GRCh37 (hg19) VCF-style: chr16-2097775-G-A.
Other names: c.50C>T, p.Pro17Leu (NM_001318193.2); c.-129C>T (NM_001318194.2); short protein forms P17L.
Identifiers: ClinVar variation 1759208 (VCV001759208.5), dbSNP rs1343729377, ClinGen allele CA394298494.

ClinVar aggregate classification (germline): Uncertain significance. Review status: criteria provided, multiple submitters, no conflicts (2 of 4 stars). 2 submissions from 2 submitters: Uncertain significance (2). Last evaluated 2024-10-01.

Conditions:
Hereditary cancer-predisposing syndrome. Also called: Neoplastic Syndromes, Hereditary; Tumor predisposition; Hereditary Cancer Syndrome; Hereditary neoplastic syndrome. Identifiers: Orphanet 140162, MedGen C0027672, MeSH D009386, MONDO:0015356.

Allele frequency attached by ClinVar (database versions not stated): gnomAD 0.00001.
gnomAD v4.1: 5 of 1,588,294 alleles (0.00031%); highest among the groups gnomAD compares: South Asian, 0.0011%; no homozygotes.

Submissions (2):

Labcorp Genetics (formerly Invitae), Labcorp
Classification: Uncertain significance. Last evaluated: 2024-10-01. Review status: criteria provided, single submitter. Criteria: Invitae Variant Classification Sherloc (09022015). Collection method: clinical testing. Allele origin: germline.
Comment: This sequence change replaces proline, which is neutral and non-polar, with leucine, which is neutral and non-polar, at codon 25 of the NTHL1 protein (p.Pro25Leu). The frequency data for this variant in the population databases is considered unreliable, as metrics indicate poor data quality at this position in the gnomAD database. This variant has not been reported in the literature in individuals affected with NTHL1-related conditions. ClinVar contains an entry for this variant (Variation ID: 1759208). An algorithm developed to predict the effect of missense changes on protein structure and function outputs the following: PolyPhen-2: "Benign". The leucine amino acid residue is found in multiple mammalian species, which suggests that this missense change does not adversely affect protein function. In summary, the available evidence is currently insufficient to determine the role of this variant in disease. Therefore, it has been classified as a Variant of Uncertain Significance.

Ambry Genetics
Classification: Uncertain significance for Hereditary cancer-predisposing syndrome. Last evaluated: 2024-04-18. Review status: criteria provided, single submitter. Criteria: Ambry Variant Classification Scheme 2023. Collection method: clinical testing. Allele origin: germline.
Comment: The p.P25L variant (also known as c.74C>T), located in coding exon 1 of the NTHL1 gene, results from a C to T substitution at nucleotide position 74. The proline at codon 25 is replaced by leucine, an amino acid with similar properties. This amino acid position is conserved. In addition, this alteration is predicted to be tolerated by in silico analysis. Since supporting evidence is limited at this time, the clinical significance of this alteration remains unclear.